The following is an entry in ClinVar:

ClinVar aggregate classification (germline): Uncertain significance (1 of 4 stars; one submission).

Conditions:
Hereditary pheochromocytoma and paraganglioma. Also called: Hereditary paragangliomas and pheochromocytomas; Hereditary Paraganglioma-Pheochromocytoma Syndromes; Hereditary pheochromocytoma-paraganglioma. Identifiers: Orphanet 29072, MedGen C4274332, MONDO:0017366.

Submission:

Labcorp Genetics (formerly Invitae), Labcorp
Classification: Uncertain significance for Hereditary pheochromocytoma and paraganglioma. Last evaluated: 2022-07-02. Review status: criteria provided, single submitter. Criteria: Invitae Variant Classification Sherloc (09022015). Collection method: clinical testing. Allele origin: germline.
Comment: In summary, the available evidence is currently insufficient to determine the role of this variant in disease. Therefore, it has been classified as a Variant of Uncertain Significance. Algorithms developed to predict the effect of missense changes on protein structure and function (SIFT, PolyPhen-2, Align-GVGD) all suggest that this variant is likely to be disruptive. This variant has not been reported in the literature in individuals affected with SDHAF2-related conditions. This variant is not present in population databases (gnomAD no frequency). This sequence change replaces aspartic acid, which is acidic and polar, with glutamic acid, which is acidic and polar, at codon 106 of the SDHAF2 protein (p.Asp106Glu).

NM_017841.4(SDHAF2):c.318C>G (p.Asp106Glu)

Gene: SDHAF2 (succinate dehydrogenase complex assembly factor 2; plus strand). Cytogenetic location: 11q12.2.
Variant type: single nucleotide variant.
Coding change: c.318C>G on transcript NM_017841.4 (MANE Select); coding-DNA position 318, C replaced by G.
Protein change: p.Asp106Glu; replaces aspartic acid 106 with glutamic acid.
Molecular consequence: missense variant.
Genome position (GRCh38, 1-based): chr11:61,438,061, C>G. VCF-style: chr11-61438061-C-G. GRCh37 (hg19) VCF-style: chr11-61205533-C-G.
Other names: short protein forms D106E.
Identifiers: ClinVar variation 2013143 (VCV002013143.4), dbSNP rs1862016302, ClinGen allele CA380684143.